The following is an entry in ClinVar:

ClinVar aggregate classification (germline): Likely benign (1 of 4 stars; one submission).

Submission:

GeneDx
Classification: Likely benign. Last evaluated: 2015-12-21. Review status: criteria provided, single submitter. Criteria: GeneDx Variant Classification (06012015). Collection method: clinical testing. Allele origin: germline. Affected: yes.
Comment: This variant is considered likely benign or benign based on one or more of the following criteria: it is a conservative change, it occurs at a poorly conserved position in the protein, it is predicted to be benign by multiple in silico algorithms, and/or has population frequency not consistent with disease.

NM_201596.3(CACNB2):c.*10G>C

Gene: CACNB2 (calcium voltage-gated channel auxiliary subunit beta 2; plus strand). Cytogenetic location: 10p12.31.
Variant type: single nucleotide variant.
Coding change: c.*10G>C on transcript NM_201596.3 (MANE Select); 10 bases downstream of the stop codon, G replaced by C.
Molecular consequence: 3 prime UTR variant.
Genome position (GRCh38, 1-based): chr10:18,539,734, G>C. VCF-style: chr10-18539734-G-C. GRCh37 (hg19) VCF-style: chr10-18828663-G-C.
Other names: c.*10G>C (NM_000724.4, NM_001167945.2, NM_001330060.2 and 6 more transcripts).
Identifiers: ClinVar variation 378896 (VCV000378896.1), dbSNP rs4747352, ClinGen allele CA16606002.